The following is an entry in ClinVar:

ClinVar aggregate classification (germline): Uncertain significance (1 of 4 stars; one submission).

Conditions:
Hereditary cancer-predisposing syndrome. Also called: Neoplastic Syndromes, Hereditary; Hereditary Cancer Syndrome; Tumor predisposition; Hereditary neoplastic syndrome. Identifiers: Orphanet 140162, MedGen C0027672, MeSH D009386, MONDO:0015356.

Submission:

Ambry Genetics
Classification: Uncertain significance for Hereditary cancer-predisposing syndrome. Last evaluated: 2025-03-07. Review status: criteria provided, single submitter. Criteria: Ambry Variant Classification Scheme 2023. Collection method: clinical testing. Allele origin: germline.
Comment: The p.M1657T variant (also known as c.4970T>C), located in coding exon 32 of the ATM gene, results from a T to C substitution at nucleotide position 4970. The methionine at codon 1657 is replaced by threonine, an amino acid with similar properties. This amino acid position is conserved. In addition, this alteration is predicted to be tolerated by in silico analysis. Based on the available evidence, the clinical significance of this variant remains unclear.

NM_000051.4(ATM):c.4970T>C (p.Met1657Thr)

Gene: ATM (ATM serine/threonine kinase; plus strand). Cytogenetic location: 11q22.3.
Variant type: single nucleotide variant.
Coding change: c.4970T>C on transcript NM_000051.4 (MANE Select); coding-DNA position 4970, T replaced by C.
Protein change: p.Met1657Thr; replaces methionine 1657 with threonine.
Molecular consequence: missense variant.
Genome position (GRCh38, 1-based): chr11:108,297,347, T>C. VCF-style: chr11-108297347-T-C. GRCh37 (hg19) VCF-style: chr11-108168074-T-C.
Other names: c.4970T>C, p.Met1657Thr (NM_001351834.2); short protein forms M1657T.
Identifiers: ClinVar variation 3803145 (VCV003803145.1).